The following is an entry in ClinVar:

NM_002460.4(IRF4):c.638-53G>A

Gene: IRF4 (interferon regulatory factor 4; plus strand). Cytogenetic location: 6p25.3.
Variant type: single nucleotide variant.
Coding change: c.638-53G>A on transcript NM_002460.4 (MANE Select); 53 bases into the intron before coding-DNA position 638, G replaced by A.
Molecular consequence: intron variant.
Genome position (GRCh38, 1-based): chr6:398,775, G>A. VCF-style: chr6-398775-G-A. GRCh37 (hg19) VCF-style: chr6-398775-G-A.
Other names: c.635-53G>A (NM_001195286.2).
Identifiers: ClinVar variation 1273865 (VCV001273865.3), dbSNP rs2671422, ClinGen allele CA12312664.

ClinVar aggregate classification (germline): Benign. Review status: criteria provided, multiple submitters, no conflicts (2 of 4 stars). 2 submissions from 2 submitters: Benign (2). Last evaluated 2024-01-24.

Allele frequency attached by ClinVar (database versions not stated): gnomAD 0.20890 and 0.21301; TOPMed 0.22798; 1000 Genomes Project 30x 0.33136; 1000 Genomes Project 0.33147.
gnomAD v4.1: 205,238 of 1,345,942 alleles (15%); highest among the groups gnomAD compares: East Asian, 51%; 22,107 homozygotes.

Submissions (2):

Unidad de Genómica Garrahan, Hospital de Pediatría Garrahan
Classification: Benign. Last evaluated: 2024-01-24. Review status: criteria provided, single submitter. Criteria: ACMG Guidelines, 2015. Collection method: clinical testing. Allele origin: germline. Affected: no. Observed: 48 variant alleles.
Comment: This variant is classified as Benign based on local population frequency. This variant was detected in 51% of patients studied by a panel of primary immunodeficiencies. Number of patients: 48. Only high quality variants are reported.

GeneDx
Classification: Benign. Last evaluated: 2018-11-12. Review status: criteria provided, single submitter. Criteria: GeneDx Variant Classification Process June 2021. Collection method: clinical testing. Allele origin: germline. Affected: yes.